The following is an entry in ClinVar:

NM_183381.3(RNF13):c.5T>A (p.Leu2Gln)

Gene: RNF13 (ring finger protein 13; plus strand). Cytogenetic location: 3q25.1.
Variant type: single nucleotide variant.
Coding change: c.5T>A on transcript NM_183381.3 (MANE Select); coding-DNA position 5, T replaced by A.
Protein change: p.Leu2Gln; replaces leucine 2 with glutamine.
Molecular consequence: missense variant. On other transcripts: 5 prime UTR variant (4), non-coding transcript variant (1), intron variant (2).
Genome position (GRCh38, 1-based): chr3:149,846,031, T>A. VCF-style: chr3-149846031-T-A. GRCh37 (hg19) VCF-style: chr3-149563818-T-A.
Other names: c.5T>A, p.Leu2Gln (NM_001378285.1, NM_001378286.1, NM_007282.4); c.-363T>A (NM_001378287.1, NM_001378288.1, NM_001378289.1 and 1 more transcripts); c.-253-6485T>A (NM_183383.2); c.-279-6485T>A (NM_001378291.1); short protein forms L2Q.
Identifiers: ClinVar variation 3383810 (VCV003383810.1).

ClinVar aggregate classification (germline): Uncertain significance (1 of 4 stars; one submission).

Submission:

GeneDx
Classification: Uncertain significance. Last evaluated: 2024-06-02. Review status: criteria provided, single submitter. Criteria: GeneDx Variant Classification Process June 2021. Collection method: clinical testing. Allele origin: germline. Affected: yes.
Comment: Not observed at significant frequency in large population cohorts (gnomAD); In silico analysis supports that this missense variant has a deleterious effect on protein structure/function; Has not been previously published as pathogenic or benign to our knowledge